The following is an entry in ClinVar:

NM_001039141.3(TRIOBP):c.1627A>G (p.Arg543Gly)

Gene: TRIOBP (TRIO and F-actin binding protein; plus strand). Cytogenetic location: 22q13.1.
Variant type: single nucleotide variant.
Coding change: c.1627A>G on transcript NM_001039141.3 (MANE Select); coding-DNA position 1627, A replaced by G.
Protein change: p.Arg543Gly; replaces arginine 543 with glycine.
Molecular consequence: missense variant.
Genome position (GRCh38, 1-based): chr22:37,724,183, A>G. VCF-style: chr22-37724183-A-G. GRCh37 (hg19) VCF-style: chr22-38120190-A-G.
Other names: c.1627A>G (NM_001039141.2); short protein forms R543G.
Identifiers: ClinVar variation 2064407 (VCV002064407.3), dbSNP rs773810327, ClinGen allele CA10223627.

ClinVar aggregate classification (germline): Uncertain significance. Review status: criteria provided, multiple submitters, no conflicts (2 of 4 stars). 2 submissions from 2 submitters: Uncertain significance (2). Last evaluated 2025-11-01.

Conditions:
TRIOBP-related disorder. Also called: TRIOBP-related condition.

Allele frequency attached by ClinVar (database versions not stated): gnomAD 0.00009; 1000 Genomes Project 30x 0.00109; ExAC 0.00152.

Submissions (2):

PreventionGenetics, part of Exact Sciences
Classification: Uncertain significance for TRIOBP-related condition. Last evaluated: 2025-11-01. Review status: criteria provided, single submitter. Criteria: ACMG Guidelines, 2015. Collection method: clinical testing. Allele origin: germline.
Comment: The TRIOBP c.1627A>G variant is predicted to result in the amino acid substitution p.Arg543Gly. To our knowledge, this variant has not been reported in the literature. This variant is reported in 0.053% of alleles in individuals of South Asian descent in gnomAD. At this time, the clinical significance of this variant is uncertain due to the absence of conclusive functional and genetic evidence.

Labcorp Genetics (formerly Invitae), Labcorp
Classification: Uncertain significance. Last evaluated: 2023-02-22. Review status: criteria provided, single submitter. Criteria: Invitae Variant Classification Sherloc (09022015). Collection method: clinical testing. Allele origin: germline.
Comment: This sequence change replaces arginine, which is basic and polar, with glycine, which is neutral and non-polar, at codon 543 of the TRIOBP protein (p.Arg543Gly). This variant is present in population databases (rs773810327, gnomAD 0.05%). This variant has not been reported in the literature in individuals affected with TRIOBP-related conditions. An algorithm developed to predict the effect of missense changes on protein structure and function (PolyPhen-2) suggests that this variant¬† is likely to be tolerated. In summary, the available evidence is currently insufficient to determine the role of this variant in disease. Therefore, it has been classified as a Variant of Uncertain Significance.